The following is an entry in ClinVar:

ClinVar aggregate classification (germline): Conflicting classifications of pathogenicity. Review status: criteria provided, conflicting classifications (1 of 4 stars). 8 submissions from 7 submitters: Uncertain significance (2); Benign (2); Likely benign (3). 1 of the submissions does not count toward it. Last evaluated 2026-07-01.

Conditions:
Seckel syndrome 4 (SCKL4). Identifiers: Orphanet 808, MedGen C3888212, MONDO:0013358, OMIM 613676.
CENPJ-related disorder. Also called: CENPJ-related condition; CENPJ-related disorders.
Microcephaly 6, primary, autosomal recessive. Identifiers: Orphanet 2512, MedGen C1842109, MONDO:0012029, OMIM 608393.

Allele frequency attached by ClinVar (database versions not stated): ESP Exome Variant Server 0.00008; gnomAD 0.00023 and 0.00032; TOPMed 0.00024; 1000 Genomes Project 30x 0.00031; gnomAD exomes 0.00031 and 0.00063; 1000 Genomes Project 0.00040; ExAC 0.00062.
gnomAD v4.1: 511 of 1,613,936 alleles (0.032%); highest among the groups gnomAD compares: Middle Eastern, 0.43%; 5 homozygotes.

Submissions (8):

CeGaT Center for Human Genetics Tuebingen
Classification: Likely benign. Last evaluated: 2026-07-01. Review status: criteria provided, single submitter. Criteria: CeGaT Center For Human Genetics Tuebingen Variant Classification Criteria Version 2. Collection method: clinical testing. Allele origin: germline. Affected: yes. Observed: 5 variant alleles.
Comment: CPAP: BP4, BP7

Labcorp Genetics (formerly Invitae), Labcorp
Classification: Benign. Last evaluated: 2025-10-13. Review status: criteria provided, single submitter. Criteria: Invitae Variant Classification Sherloc (09022015). Collection method: clinical testing. Allele origin: germline.

Athena Diagnostics
Classification: Benign. Last evaluated: 2025-05-06. Review status: criteria provided, single submitter. Criteria: Athena Diagnostics Criteria. Collection method: clinical testing. Allele origin: unknown.
Comment: The frequency of this variant in the general population is higher than would generally be expected for pathogenic variants in this gene. Computational tools yielded predictions that this variant is unlikely to have an effect on normal RNA splicing. This nucleotide position exhibits low evolutionary conservation.

Blueprint Genetics
Classification: Likely benign. Last evaluated: 2024-07-31. Review status: criteria provided, single submitter. Criteria: ACMG Guidelines, 2015. Collection method: clinical testing. Allele origin: germline.

GeneDx
Classification: Likely benign. Last evaluated: 2019-12-12. Review status: criteria provided, single submitter. Criteria: GeneDx Variant Classification Process June 2021. Collection method: clinical testing. Allele origin: germline. Affected: yes.

Illumina Laboratory Services, Illumina
Classification: Uncertain significance for Microcephaly 6, primary, autosomal recessive. Last evaluated: 2018-01-13. Review status: criteria provided, single submitter. Criteria: ICSL Variant Classification Criteria 13 December 2019. Collection method: clinical testing. Allele origin: germline.

Illumina Laboratory Services, Illumina
Classification: Uncertain significance for Seckel syndrome 4. Last evaluated: 2018-01-13. Review status: criteria provided, single submitter. Criteria: ICSL Variant Classification Criteria 13 December 2019. Collection method: clinical testing. Allele origin: germline.

PreventionGenetics, part of Exact Sciences
Classification: Likely benign for CENPJ-related condition. Last evaluated: 2019-03-22. Review status: no assertion criteria provided. Collection method: clinical testing. Allele origin: germline. Not counted in ClinVar's aggregate classification.
Comment: This variant is classified as likely benign based on ACMG/AMP sequence variant interpretation guidelines (Richards et al. 2015 PMID: 25741868, with internal and published modifications).

NM_018451.5(CPAP):c.3960C>T (p.Ser1320=)

Genes: CPAP (centrosome assembly and centriole elongation protein; minus strand), RNF17 (ring finger protein 17; plus strand). Cytogenetic location: 13q12.12.
Variant type: single nucleotide variant.
Coding change: c.3960C>T on transcript NM_018451.5 (MANE Select); coding-DNA position 3960, C replaced by T.
Protein change: p.Ser1320=; no amino-acid change (serine 1320 retained).
Molecular consequence: synonymous variant. On other transcripts: non-coding transcript variant (2).
Genome position (GRCh38, 1-based): chr13:24,883,234, G>A on the plus strand (C>T on the coding strand, the complement: CPAP is on the minus strand). VCF-style: chr13-24883234-G-A. GRCh37 (hg19) VCF-style: chr13-25457372-G-A.
Identifiers: ClinVar variation 311606 (VCV000311606.41), dbSNP rs113239817, ClinGen allele CA6919088.